The following is an entry in ClinVar:

NM_004333.6(BRAF):c.1141-2047A>G

Gene: BRAF (B-Raf proto-oncogene, serine/threonine kinase; minus strand). Cytogenetic location: 7q34.
Variant type: single nucleotide variant.
Coding change: c.1141-2047A>G on transcript NM_004333.6 (MANE Select); 2047 bases into the intron before coding-DNA position 1141, A replaced by G.
Molecular consequence: intron variant.
Genome position (GRCh38, 1-based): chr7:140,789,631, T>C on the plus strand (A>G on the coding strand, the complement: BRAF is on the minus strand). VCF-style: chr7-140789631-T-C. GRCh37 (hg19) VCF-style: chr7-140489431-T-C.
Other names: c.1141-2047A>G (NM_001378474.1, NM_001378468.1, NM_001354609.2 and 3 more transcripts); c.1039-2047A>G (NM_001378470.1); c.877-2047A>G (NM_001378475.1); c.1140+4677A>G (NM_001378471.1); c.1150-2047A>G (NM_001378467.1); c.985-2047A>G (NM_001378472.1, NM_001378473.1).
Identifiers: ClinVar variation 2658053 (VCV002658053.24), dbSNP rs137975640, ClinGen allele CA168096543.

ClinVar aggregate classification (germline): Benign (1 of 4 stars; one submission).

Allele frequency attached by ClinVar (database versions not stated): 1000 Genomes Project 30x 0.00172; 1000 Genomes Project 0.00200; gnomAD 0.00249; TOPMed 0.00274.
gnomAD v4.1: 373 of 152,310 alleles (0.24%); highest among the groups gnomAD compares: African/African-American, 0.86%; 3 homozygotes.

Submission:

CeGaT Center for Human Genetics Tuebingen
Classification: Benign. Last evaluated: 2026-04-01. Review status: criteria provided, single submitter. Criteria: CeGaT Center For Human Genetics Tuebingen Variant Classification Criteria Version 2. Collection method: clinical testing. Allele origin: germline. Affected: yes. Observed: 3 variant alleles.
Comment: BRAF: BS1, BS2